The following is an entry in ClinVar:

NM_004525.3(LRP2):c.12978C>G (p.Tyr4326Ter)

Gene: LRP2 (LDL receptor related protein 2; minus strand). Cytogenetic location: 2q31.1.
Variant type: single nucleotide variant.
Coding change: c.12978C>G on transcript NM_004525.3 (MANE Select); coding-DNA position 12978, C replaced by G.
Protein change: p.Tyr4326Ter; replaces tyrosine 4326 with a stop codon.
Molecular consequence: nonsense.
Genome position (GRCh38, 1-based): chr2:169,145,757, G>C on the plus strand (C>G on the coding strand, the complement: LRP2 is on the minus strand). VCF-style: chr2-169145757-G-C. GRCh37 (hg19) VCF-style: chr2-170002267-G-C.
Other names: short protein forms Y4326*.
Identifiers: ClinVar variation 5013754 (VCV005013754.1).

ClinVar aggregate classification (germline): Pathogenic (1 of 4 stars; one submission).

Conditions:
Donnai-Barrow syndrome. Also called: DBS/FOAR SYNDROME; FACIOOCULOACOUSTICORENAL SYNDROME. Identifiers: Orphanet 2143, MedGen C1857277, MONDO:0009104, OMIM 222448.

Submission:

Myriad Genetics, Inc.
Classification: Pathogenic for Donnai-Barrow syndrome. Last evaluated: 2024-11-15. Review status: criteria provided, single submitter. Criteria: Myriad Autosomal Dominant, Autosomal Recessive and X-Linked Classification Criteria (2023). Collection method: clinical testing. Allele origin: unknown.
Comment: NM_004525.2(LRP2):c.12978C>G(Y4326*) is expected to be pathogenic in the context of Donnai-Barrow syndrome. This variant is predicted to lead to an abnormal or absent protein product due to the creation of a premature termination codon in LRP2, a gene where loss-of-function variants are known to be pathogenic. Please note: this variant was assessed in the context of healthy population screening.